The following is an entry in ClinVar:

NM_021954.4(GJA3):c.1083A>C (p.Pro361=)

Gene: GJA3 (gap junction protein alpha 3; minus strand). Cytogenetic location: 13q12.11.
Variant type: single nucleotide variant.
Coding change: c.1083A>C on transcript NM_021954.4 (MANE Select); coding-DNA position 1083, A replaced by C.
Protein change: p.Pro361=; no amino-acid change (proline 361 retained).
Molecular consequence: synonymous variant.
Genome position (GRCh38, 1-based): chr13:20,142,206, T>G on the plus strand (A>C on the coding strand, the complement: GJA3 is on the minus strand). VCF-style: chr13-20142206-T-G. GRCh37 (hg19) VCF-style: chr13-20716345-T-G.
Identifiers: ClinVar variation 311335 (VCV000311335.18), dbSNP rs779251021, ClinGen allele CA6903990.

ClinVar aggregate classification (germline): Benign/Likely benign. Review status: criteria provided, multiple submitters, no conflicts (2 of 4 stars). 5 submissions from 5 submitters: Benign (1); Likely benign (4). Last evaluated 2025-10-02.

Conditions:
Cataract 14 multiple types. Also called: CATARACT 14, ZONULAR PULVERULENT; CATARACT 14, NUCLEAR PULVERULENT; CATARACT 14, NUCLEAR PULVERULENT AND POSTERIOR POLAR; CATARACT 14, NUCLEAR CORALLIFORM; CATARACT 14, EMBRYONAL NUCLEAR; CATARACT 14, COPPOCK-LIKE. Identifiers: Orphanet 91492, MedGen C1866078, MONDO:0011162, OMIM 601885.
GJA3-related disorder. Also called: GJA3-related condition.

Allele frequency attached by ClinVar (database versions not stated): TOPMed 0.00026; gnomAD 0.00027 and 0.00029; gnomAD exomes 0.00030 and 0.00036; ExAC 0.00041.
gnomAD v4.1: 449 of 1,511,450 alleles (0.03%); highest among the groups gnomAD compares: Non-Finnish European, 0.035%; no homozygotes.

Submissions (5):

Labcorp Genetics (formerly Invitae), Labcorp
Classification: Likely benign for Cataract 14 multiple types. Last evaluated: 2025-10-02. Review status: criteria provided, single submitter. Criteria: Invitae Variant Classification Sherloc (09022015). Collection method: clinical testing. Allele origin: germline.

PreventionGenetics, part of Exact Sciences
Classification: Likely benign for GJA3-related condition. Last evaluated: 2025-01-15. Review status: criteria provided, single submitter. Criteria: ACMG Guidelines, 2015. Collection method: clinical testing. Allele origin: germline.
Comment: This variant is classified as likely benign based on ACMG/AMP sequence variant interpretation guidelines (Richards et al. 2015 PMID: 25741868, with internal and published modifications).

Blueprint Genetics
Classification: Likely benign. Last evaluated: 2024-11-18. Review status: criteria provided, single submitter. Criteria: ACMG Guidelines, 2015. Collection method: clinical testing. Allele origin: germline.

GeneDx
Classification: Likely benign. Last evaluated: 2020-08-18. Review status: criteria provided, single submitter. Criteria: GeneDx Variant Classification Process June 2021. Collection method: clinical testing. Allele origin: germline. Affected: yes.

Illumina Laboratory Services, Illumina
Classification: Benign for Cataract 14 multiple types. Last evaluated: 2018-01-12. Review status: criteria provided, single submitter. Criteria: ICSL Variant Classification Criteria 13 December 2019. Collection method: clinical testing. Allele origin: germline.
Comment: This variant was observed in the ICSL laboratory as part of a predisposition screen in an ostensibly healthy population. It had not been previously curated by ICSL or reported in the Human Gene Mutation Database (HGMD: prior to June 1st, 2018), and was therefore a candidate for classification through an automated scoring system. Utilizing variant allele frequency, disease prevalence and penetrance estimates, and inheritance mode, an automated score was calculated to assess if this variant is too frequent to cause the disease. Based on the score and internal cut-off values, a variant classified as benign is not then subjected to further curation. The score for this variant resulted in a classification of benign for this disease.